The following is an entry in ClinVar:

NM_001008212.2(OPTN):c.1330A>G (p.Met444Val)

Gene: OPTN (optineurin; plus strand). Cytogenetic location: 10p13.
Variant type: single nucleotide variant.
Coding change: c.1330A>G on transcript NM_001008212.2 (MANE Select); coding-DNA position 1330, A replaced by G.
Protein change: p.Met444Val; replaces methionine 444 with valine.
Molecular consequence: missense variant.
Genome position (GRCh38, 1-based): chr10:13,127,832, A>G. VCF-style: chr10-13127832-A-G. GRCh37 (hg19) VCF-style: chr10-13169832-A-G.
Other names: c.1330A>G, p.Met444Val (NM_021980.4, NM_001008211.1, NM_001008213.1); short protein forms M444V.
Identifiers: ClinVar variation 1474749 (VCV001474749.10), dbSNP rs900961302, ClinGen allele CA203268577.

ClinVar aggregate classification (germline): Uncertain significance. Review status: criteria provided, multiple submitters, no conflicts (2 of 4 stars). 3 submissions from 3 submitters: Uncertain significance (3). Last evaluated 2023-12-15.

Conditions:
Inborn genetic diseases. Identifiers: MedGen C0950123, MeSH D030342.
Primary open angle glaucoma (POAG). Also called: OPTN-related open angle glaucoma. Identifiers: MedGen C0339573, MONDO:0100553, OMIM 137760.
Glaucoma 1, open angle, E. Identifiers: MedGen C1842026, MONDO:0007665.
Amyotrophic lateral sclerosis type 12 (ALS12). Also called: AMYOTROPHIC LATERAL SCLEROSIS 12 WITH OR WITHOUT FRONTOTEMPORAL DEMENTIA. Identifiers: Orphanet 803, MedGen C3150692, MONDO:0013264, OMIM 613435.

Allele frequency attached by ClinVar (database versions not stated): gnomAD 0.00001 and 0.00002; gnomAD exomes 0.00001; TOPMed 0.00002.
gnomAD v4.1: 13 of 1,614,016 alleles (0.00081%); highest among the groups gnomAD compares: African/African-American, 0.0013%; no homozygotes.

Submissions (3):

Ambry Genetics
Classification: Uncertain significance for Inborn genetic diseases. Last evaluated: 2023-12-15. Review status: criteria provided, single submitter. Criteria: Ambry Variant Classification Scheme 2023. Collection method: clinical testing. Allele origin: germline.

Labcorp Genetics (formerly Invitae), Labcorp
Classification: Uncertain significance for Primary open angle glaucoma; Glaucoma 1, open angle, E; Amyotrophic lateral sclerosis type 12. Last evaluated: 2022-11-02. Review status: criteria provided, single submitter. Criteria: Invitae Variant Classification Sherloc (09022015). Collection method: clinical testing. Allele origin: germline.
Comment: ClinVar contains an entry for this variant (Variation ID: 1474749). This variant has not been reported in the literature in individuals affected with OPTN-related conditions. This variant is not present in population databases (gnomAD no frequency). This sequence change replaces methionine, which is neutral and non-polar, with valine, which is neutral and non-polar, at codon 444 of the OPTN protein (p.Met444Val). In summary, the available evidence is currently insufficient to determine the role of this variant in disease. Therefore, it has been classified as a Variant of Uncertain Significance. Advanced modeling of protein sequence and biophysical properties (such as structural, functional, and spatial information, amino acid conservation, physicochemical variation, residue mobility, and thermodynamic stability) performed at Invitae indicates that this missense variant is not expected to disrupt OPTN protein function.

Athena Diagnostics
Classification: Uncertain significance. Last evaluated: 2021-10-29. Review status: criteria provided, single submitter. Criteria: Athena Diagnostics Criteria. Collection method: clinical testing. Allele origin: unknown.